The following is an entry in ClinVar:

ClinVar aggregate classification (germline): Uncertain significance (1 of 4 stars; one submission).

Conditions:
Lafora disease. Also called: Epilepsy progressive myoclonic 2; Progressive Myoclonus Epilepsy, Lafora Type. Identifiers: Orphanet 501, MedGen C0751783, MONDO:0009697.

Allele frequency attached by ClinVar (database versions not stated): gnomAD exomes 0.00001.
gnomAD v4.1: 5 of 1,614,256 alleles (0.00031%); highest among the groups gnomAD compares: Non-Finnish European, 0.00042%; no homozygotes.

Submission:

Labcorp Genetics (formerly Invitae), Labcorp
Classification: Uncertain significance for Lafora disease. Last evaluated: 2022-03-02. Review status: criteria provided, single submitter. Criteria: Invitae Variant Classification Sherloc (09022015). Collection method: clinical testing. Allele origin: germline.
Comment: In summary, the available evidence is currently insufficient to determine the role of this variant in disease. Therefore, it has been classified as a Variant of Uncertain Significance. Algorithms developed to predict the effect of missense changes on protein structure and function output the following: SIFT: "Tolerated"; PolyPhen-2: "Benign"; Align-GVGD: "Class C0". The alanine amino acid residue is found in multiple mammalian species, which suggests that this missense change does not adversely affect protein function. This variant has not been reported in the literature in individuals affected with NHLRC1-related conditions. This variant is not present in population databases (gnomAD no frequency). This sequence change replaces serine, which is neutral and polar, with alanine, which is neutral and non-polar, at codon 216 of the NHLRC1 protein (p.Ser216Ala).

NM_198586.3(NHLRC1):c.646T>G (p.Ser216Ala)

Gene: NHLRC1 (NHL repeat containing E3 ubiquitin protein ligase 1; minus strand). Cytogenetic location: 6p22.3.
Variant type: single nucleotide variant.
Coding change: c.646T>G on transcript NM_198586.3 (MANE Select); coding-DNA position 646, T replaced by G.
Protein change: p.Ser216Ala; replaces serine 216 with alanine.
Molecular consequence: missense variant.
Genome position (GRCh38, 1-based): chr6:18,121,961, A>C on the plus strand (T>G on the coding strand, the complement: NHLRC1 is on the minus strand). VCF-style: chr6-18121961-A-C. GRCh37 (hg19) VCF-style: chr6-18122192-A-C.
Other names: short protein forms S216A.
Identifiers: ClinVar variation 2182892 (VCV002182892.4), dbSNP rs2533896644, ClinGen allele CA362826735.